The following is an entry in ClinVar:

NM_000268.4(NF2):c.616G>T (p.Glu206Ter)

Gene: NF2 (NF2, moesin-ezrin-radixin like (MERLIN) tumor suppressor; plus strand). Cytogenetic location: 22q12.2.
Variant type: single nucleotide variant.
Coding change: c.616G>T on transcript NM_000268.4 (MANE Select); coding-DNA position 616, G replaced by T.
Protein change: p.Glu206Ter; replaces glutamic acid 206 with a stop codon.
Molecular consequence: nonsense. On other transcripts: intron variant (1).
Genome position (GRCh38, 1-based): chr22:29,658,205, G>T. VCF-style: chr22-29658205-G-T. GRCh37 (hg19) VCF-style: chr22-30054194-G-T.
Other names: c.502G>T, p.Glu168Ter (NM_001407053.1, NM_001407056.1); c.493G>T, p.Glu165Ter (NM_001407054.1, NM_001407058.1, NM_001407062.1 and 1 more transcripts); c.490G>T, p.Glu164Ter (NM_001407055.1, NM_181828.3); c.616G>T, p.Glu206Ter (NM_001407057.1, NM_001407059.1, NM_001407060.1 and 4 more transcripts); c.367G>T, p.Glu123Ter (NM_001407063.1, NM_001407064.1, NM_181830.3 and 1 more transcripts); c.82G>T, p.Glu28Ter (NM_001407065.1); c.385G>T, p.Glu129Ter (NM_001407067.1); c.447+15920G>T (NM_181833.3); short protein forms E123*, E129*, E164*, E165*, E168*, E206*, E28*.
Identifiers: ClinVar variation 3897730 (VCV003897730.1).
Genomic context (GRCh38, chr22:29,658,205, plus strand): 5'-ATCTCACTTAGCTCCAATGACAGTGTCTTCCGTTCTCCCCACAGGGATGAAGCTGAAATG[G>T]AATATCTGAAGATAGCTCAGGACCTGGAGATGTACGGTGTGAACTACTTTGCAATCCGGG-3'

ClinVar aggregate classification (oncogenicity): Oncogenic (1 of 4 stars; one submission).

Conditions:
Meningioma. Also called: Meningioma, somatic. Identifiers: Orphanet 2495, MedGen C0025286, MONDO:0016642, HP:0002858.

Submission:

Dr. Guy Rouleau's laboratory, McGill University
Classification: Oncogenic for Meningioma. Last evaluated: 2025-03-30. Review status: criteria provided, single submitter. Criteria: ClinGen/CGC/VICC Guidelines for Oncogenicity, 2022. Collection method: research. Allele origin: somatic. Affected: yes.
Comment: This nonsense variant generates a premature translational stop signal (p.Glu206Ter) in the NF2 gene, which is expected to result in an absent or disrupted protein product. Loss-of-function variants in NF2 are well-documented as pathogenic (PMIDs: 8755919, 9643284, 16983642). This somatic variant was identified in a paired tumor-blood sequencing study of meningiomas. It has not been reported in population databases (gnomAD v2.1.1: no frequency). This variant has been reported in observed in individuals presenting with sporadic vestibular schwannomas (PMID: 22295085, 28409725)